The following is an entry in ClinVar:

ClinVar aggregate classification (germline): Benign/Likely benign. Review status: criteria provided, multiple submitters, no conflicts (2 of 4 stars). 3 submissions from 3 submitters: Benign (1); Likely benign (2). Last evaluated 2025-10-26.

Conditions:
Hereditary cancer-predisposing syndrome. Also called: Hereditary neoplastic syndrome; Tumor predisposition; Hereditary Cancer Syndrome; Neoplastic Syndromes, Hereditary. Identifiers: Orphanet 140162, MedGen C0027672, MeSH D009386, MONDO:0015356.
POLD1-related polyposis and colorectal cancer syndrome (CRCS10). Also called: Colorectal cancer, susceptibility to, 10; Colorectal cancer 10; COLORECTAL CANCER, SUSCEPTIBILITY TO, ON CHROMOSOME 19q. Identifiers: Orphanet 220460, MedGen C2675481, MONDO:0012953, OMIM 612591.

Submissions (3):

Labcorp Genetics (formerly Invitae), Labcorp
Classification: Likely benign for POLD1-related polyposis and colorectal cancer syndrome. Last evaluated: 2025-10-26. Review status: criteria provided, single submitter. Criteria: Invitae Variant Classification Sherloc (09022015). Collection method: clinical testing. Allele origin: germline.

Myriad Genetics, Inc.
Classification: Benign for POLD1-related polyposis and colorectal cancer syndrome. Last evaluated: 2025-02-05. Review status: criteria provided, single submitter. Criteria: Myriad Autosomal Dominant, Autosomal Recessive and X-Linked Classification Criteria (2023). Collection method: clinical testing. Allele origin: unknown.
Comment: This variant is considered benign. This variant is a silent/synonymous amino acid change and it is not expected to impact splicing.

Ambry Genetics
Classification: Likely benign for Hereditary cancer-predisposing syndrome. Last evaluated: 2022-03-30. Review status: criteria provided, single submitter. Criteria: Ambry Variant Classification Scheme 2023. Collection method: clinical testing. Allele origin: germline.

NM_002691.4(POLD1):c.924G>A (p.Ala308=)

Gene: POLD1 (DNA polymerase delta 1, catalytic subunit; plus strand). Cytogenetic location: 19q13.33.
Variant type: single nucleotide variant.
Coding change: c.924G>A on transcript NM_002691.4 (MANE Select); coding-DNA position 924, G replaced by A.
Protein change: p.Ala308=; no amino-acid change (alanine 308 retained).
Molecular consequence: synonymous variant. On other transcripts: non-coding transcript variant (1).
Genome position (GRCh38, 1-based): chr19:50,402,695, G>A. VCF-style: chr19-50402695-G-A. GRCh37 (hg19) VCF-style: chr19-50905952-G-A.
Other names: c.924G>A, p.Ala308= (NM_001256849.1, NM_001308632.1).
Identifiers: ClinVar variation 697536 (VCV000697536.14), dbSNP rs1601202732, ClinGen allele CA508182040.